The following is an entry in ClinVar:

NM_007294.3(BRCA1):c.-19-?_441+?dup

Gene: BRCA1 (BRCA1 DNA repair associated; minus strand).
Variant type: Duplication.
Coding change: c.-19-?_441+?dup on transcript NM_007294.3.
Other names: c.-19-?_441+?dup (LRG_292t1).
Identifiers: ClinVar variation 254057 (VCV000254057.1).

ClinVar aggregate classification (germline): Uncertain significance (1 of 4 stars; one submission).

Conditions:
Hereditary breast ovarian cancer syndrome. Also called: Hereditary breast and ovarian cancer syndrome (HBOC); Hereditary breast and/or ovarian cancer syndrome; BRCA1- and BRCA2-Associated Hereditary Breast and Ovarian Cancer; Hereditary breast and ovarian cancer syndrome; Hereditary breast and ovarian cancer; Breast and ovarian cancer. Identifiers: Orphanet 145, MedGen C0677776, MeSH D061325, MONDO:0003582. Disease mechanism: loss of function.

Submission:

Labcorp Genetics (formerly Invitae), Labcorp
Classification: Uncertain significance for Hereditary breast ovarian cancer syndrome. Last evaluated: 2016-01-21. Review status: criteria provided, single submitter. Criteria: Invitae Variant Classification Sherloc (09022015). Collection method: clinical testing. Allele origin: germline.
Comment: This variant is a gross duplication of the genomic region encompassing exons 2-6 of the BRCA1 gene. This duplication extends beyond the edge of the assayed region, and the 5' boundary of this event is not known. While this particular gross duplication has not been reported in the literature, exon-level duplications in BRCA1 have been reported in patients affected with hereditary breast/ovarian cancer (PMID: 15475941, 21327469). In summary, this is a duplication involving the initiator methionine located exon of the BRCA1 gene. However, the genomic location and orientation of the duplicated sequence is unknown. For these reasons, this change has been classified as a Variant of Uncertain Significance.